The following is an entry in ClinVar:

NM_147127.5(EVC2):c.1589C>A (p.Ala530Asp)

Gene: EVC2 (EvC ciliary complex subunit 2; minus strand). Cytogenetic location: 4p16.2.
Variant type: single nucleotide variant.
Coding change: c.1589C>A on transcript NM_147127.5 (MANE Select); coding-DNA position 1589, C replaced by A.
Protein change: p.Ala530Asp; replaces alanine 530 with aspartic acid.
Molecular consequence: missense variant.
Genome position (GRCh38, 1-based): chr4:5,631,914, G>T on the plus strand (C>A on the coding strand, the complement: EVC2 is on the minus strand). VCF-style: chr4-5631914-G-T. GRCh37 (hg19) VCF-style: chr4-5633641-G-T.
Other names: c.1349C>A, p.Ala450Asp (NM_001166136.2); short protein forms A530D, A450D.
Identifiers: ClinVar variation 1508437 (VCV001508437.4), dbSNP rs1329925495, ClinGen allele CA356148994.

ClinVar aggregate classification (germline): Uncertain significance (1 of 4 stars; one submission).

Conditions:
Curry-Hall syndrome (WAD). Also called: WEYERS ACRODENTAL DYSOSTOSIS. Identifiers: Orphanet 952, MedGen C0457013, MONDO:0008673, OMIM 193530.
Ellis-van Creveld syndrome (EVC). Also called: Chondroectodermal dysplasia; EVC-Related Ellis-van Creveld Syndrome; EVC2-Related Ellis-van Creveld Syndrome; MESOECTODERMAL DYSPLASIA. Identifiers: Orphanet 289, MedGen C0013903, MONDO:0009162, OMIM 225500.

Submission:

Labcorp Genetics (formerly Invitae), Labcorp
Classification: Uncertain significance for Curry-Hall syndrome; Ellis-van Creveld syndrome. Last evaluated: 2021-12-24. Review status: criteria provided, single submitter. Criteria: Invitae Variant Classification Sherloc (09022015). Collection method: clinical testing. Allele origin: germline.
Comment: This sequence change replaces alanine, which is neutral and non-polar, with aspartic acid, which is acidic and polar, at codon 530 of the EVC2 protein (p.Ala530Asp). This variant is not present in population databases (gnomAD no frequency). This variant has not been reported in the literature in individuals affected with EVC2-related conditions. Algorithms developed to predict the effect of missense changes on protein structure and function are either unavailable or do not agree on the potential impact of this missense change (SIFT: "Deleterious"; PolyPhen-2: "Probably Damaging"; Align-GVGD: "Class C15"). In summary, the available evidence is currently insufficient to determine the role of this variant in disease. Therefore, it has been classified as a Variant of Uncertain Significance.